The following is an entry in ClinVar:

Single allele

Gene: SCN3A (sodium voltage-gated channel alpha subunit 3; minus strand). Cytogenetic location: 2q24.3.
Variant type: Deletion.
Identifiers: ClinVar variation 3571492 (VCV003571492.1).

ClinVar aggregate classification (germline): Likely pathogenic (1 of 4 stars; one submission).

Submission:

Athena Diagnostics
Classification: Likely pathogenic. Last evaluated: 2024-11-07. Review status: criteria provided, single submitter. Criteria: Athena Diagnostics Criteria. Collection method: clinical testing. Allele origin: unknown.
Comment: This deletion is expected to result in the loss of a functional protein. Due to limitations of this analysis, the size of the deleted region upstream of exon 3 is unknown and may or may not involve additional genes. Similar deletions of the SCN3A gene have not been reported in large, multi-ethnic general populations.